The following is an entry in ClinVar:

NM_001042492.3(NF1):c.3496G>C (p.Gly1166Arg)

Gene: NF1 (neurofibromin 1; plus strand). Cytogenetic location: 17q11.2.
Variant type: single nucleotide variant.
Coding change: c.3496G>C on transcript NM_001042492.3 (MANE Select); coding-DNA position 3496, G replaced by C.
Protein change: p.Gly1166Arg; replaces glycine 1166 with arginine.
Molecular consequence: missense variant.
Genome position (GRCh38, 1-based): chr17:31,232,881, G>C. VCF-style: chr17-31232881-G-C. GRCh37 (hg19) VCF-style: chr17-29559899-G-C.
Other names: c.3496G>C, p.Gly1166Arg (NM_000267.4); short protein forms G1166R.
Identifiers: ClinVar variation 1731988 (VCV001731988.4), dbSNP rs1597719704, ClinGen allele CA398989536.
Genomic context (GRCh38, chr17:31,232,881, plus strand): 5'-GTCCTTGCAATGTCAAACTTACTCAATGCCAACGTAGACAGTGGTCTCATGCACTCCATA[G>C]GTGAGATCAAATGAAAGTTTCATATAGAAATACAAAACCTAGAGAACTGGCATGTAAGAG-3'
Protein context (NP_001035957.1, residues 1156-1176): NVDSGLMHSI[Gly1166Arg]LGYHKDLQTR

ClinVar aggregate classification (germline): Pathogenic/Likely pathogenic. Review status: criteria provided, multiple submitters, no conflicts (2 of 4 stars). 2 submissions from 2 submitters: Pathogenic (1); Likely pathogenic (1). Last evaluated 2024-10-25.

Conditions:
Hereditary cancer-predisposing syndrome. Also called: Neoplastic Syndromes, Hereditary; Tumor predisposition; Hereditary Cancer Syndrome; Hereditary neoplastic syndrome. Identifiers: Orphanet 140162, MedGen C0027672, MeSH D009386, MONDO:0015356.
Cardiovascular phenotype. Identifiers: MedGen CN230736.

Submissions (2):

Ambry Genetics
Classification: Pathogenic for Cardiovascular phenotype; Hereditary cancer-predisposing syndrome. Last evaluated: 2024-10-25. Review status: criteria provided, single submitter. Criteria: Ambry Variant Classification Scheme 2023. Collection method: clinical testing. Allele origin: germline.
Comment: The c.3496G>C pathogenic mutation (also known as p.G1166R), located in coding exon 26 of the NF1 gene, results from a G to C substitution at nucleotide position 3496. The amino acid change results in glycine to arginine at codon 1166, an amino acid with dissimilar properties. However, this change occurs in the last base pair of coding exon 26, which makes it likely to have some effect on normal mRNA splicing. This variant has been detected in multiple unrelated individuals with a clinical diagnosis or suspicion of neurofibromatosis type 1 (NF1) (Ambry internal data). Another alteration impacting the same donor site (c.3496G>A) has been described in multiple unrelated individuals with a clinical diagnosis or suspicion of NF1 (Xu W et al. Int J Mol Med, 2014 Jul;34:53-60; Ambry internal data). This nucleotide position is highly conserved in available vertebrate species. In silico splice site analysis predicts that this alteration will weaken the native splice donor site; however, direct evidence is insufficient at this time (Ambry internal data). This variant is considered to be rare based on population cohorts in the Genome Aggregation Database (gnomAD). Based on the supporting evidence, this variant is interpreted as a disease-causing mutation.

GeneDx
Classification: Likely pathogenic. Last evaluated: 2024-09-08. Review status: criteria provided, single submitter. Criteria: GeneDx Variant Classification Process June 2021. Collection method: clinical testing. Allele origin: germline. Affected: yes.
Comment: Alters the last nucleotide of the exon and is predicted to destroy the splice donor site and result in aberrant splicing, although in the absence of functional evidence the actual effect of this sequence change is unknown; Not observed at significant frequency in large population cohorts (gnomAD); Has not been previously published as pathogenic or benign to our knowledge; This variant is associated with the following publications: (PMID: 31370276, 17311297, 25486365, 2121369, 22807134)

Literature cited by the submitters: PubMed 24789688 (cited by Ambry Genetics).